The following is an entry in ClinVar:

NM_018089.3(ANKZF1):c.755G>A (p.Arg252Gln)

Gene: ANKZF1 (ankyrin repeat and zinc finger peptidyl tRNA hydrolase 1; plus strand). Cytogenetic location: 2q35.
Variant type: single nucleotide variant.
Coding change: c.755G>A on transcript NM_018089.3 (MANE Select); coding-DNA position 755, G replaced by A.
Protein change: p.Arg252Gln; replaces arginine 252 with glutamine.
Molecular consequence: missense variant.
Genome position (GRCh38, 1-based): chr2:219,233,369, G>A. VCF-style: chr2-219233369-G-A. GRCh37 (hg19) VCF-style: chr2-220098091-G-A.
Other names: c.755G>A, p.Arg252Gln (NM_001042410.2); c.125G>A, p.Arg42Gln (NM_001282792.2); short protein forms R42Q, R252Q.
Identifiers: ClinVar variation 2402161 (VCV002402161.4), dbSNP rs776295407, ClinGen allele CA2120852.

ClinVar aggregate classification (germline): Uncertain significance. Review status: criteria provided, multiple submitters, no conflicts (2 of 4 stars). 2 submissions from 2 submitters: Uncertain significance (2). Last evaluated 2025-12-11.

Allele frequency attached by ClinVar (database versions not stated): gnomAD exomes 0.00001; TOPMed below 0.00001; gnomAD 0.00001; ExAC 0.00003.
gnomAD v4.1: 23 of 1,614,114 alleles (0.0014%); highest among the groups gnomAD compares: Middle Eastern, 0.033%; no homozygotes.

Submissions (2):

Labcorp Genetics (formerly Invitae), Labcorp
Classification: Uncertain significance. Last evaluated: 2025-12-11. Review status: criteria provided, single submitter. Criteria: Invitae Variant Classification Sherloc (09022015). Collection method: clinical testing. Allele origin: germline.
Comment: This sequence change replaces arginine, which is basic and polar, with glutamine, which is neutral and polar, at codon 252 of the ANKZF1 protein (p.Arg252Gln). This variant is present in population databases (rs776295407, gnomAD 0.01%). This variant has not been reported in the literature in individuals affected with ANKZF1-related conditions. ClinVar contains an entry for this variant (Variation ID: 2402161). An algorithm developed to predict the effect of missense changes on protein structure and function outputs the following: PolyPhen-2: "Benign". The glutamine amino acid residue is found in multiple mammalian species, which suggests that this missense change does not adversely affect protein function. In summary, the available evidence is currently insufficient to determine the role of this variant in disease. Therefore, it has been classified as a Variant of Uncertain Significance.

Ambry Genetics
Classification: Uncertain significance. Last evaluated: 2022-04-25. Review status: criteria provided, single submitter. Criteria: Ambry Variant Classification Scheme 2023. Collection method: clinical testing. Allele origin: germline.